The following is an entry in ClinVar:

ClinVar aggregate classification (germline): Likely benign. Review status: criteria provided, multiple submitters, no conflicts (2 of 4 stars). 4 submissions from 4 submitters: Likely benign (4). Last evaluated 2025-12-04.

Conditions:
Cardiovascular phenotype. Identifiers: MedGen CN230736.
Dilated cardiomyopathy 1G (CMD1G). Identifiers: Orphanet 154, MedGen C1858763, MONDO:0011400, OMIM 604145.
Autosomal recessive limb-girdle muscular dystrophy type 2J (LGMDR10). Also called: Limb-girdle muscular dystrophy, type 2J; MUSCULAR DYSTROPHY, LIMB-GIRDLE, AUTOSOMAL RECESSIVE 10. Identifiers: Orphanet 140922, MedGen C1837342, MONDO:0012127, OMIM 608807.

Allele frequency attached by ClinVar (database versions not stated): TOPMed 0.00003; gnomAD exomes below 0.00001 and 0.00002; gnomAD 0.00003.
gnomAD v4.1: 29 of 1,613,262 alleles (0.0018%); highest among the groups gnomAD compares: Non-Finnish European, 0.0021%; no homozygotes.

Submissions (4):

Labcorp Genetics (formerly Invitae), Labcorp
Classification: Likely benign for Dilated cardiomyopathy 1G; Autosomal recessive limb-girdle muscular dystrophy type 2J. Last evaluated: 2025-12-04. Review status: criteria provided, single submitter. Criteria: Invitae Variant Classification Sherloc (09022015). Collection method: clinical testing. Allele origin: germline.

CeGaT Center for Human Genetics Tuebingen
Classification: Likely benign. Last evaluated: 2021-10-01. Review status: criteria provided, single submitter. Criteria: CeGaT Center For Human Genetics Tuebingen Variant Classification Criteria Version 2. Collection method: clinical testing. Allele origin: germline. Affected: yes. Observed: 1 variant allele.

Ambry Genetics
Classification: Likely benign for Cardiovascular phenotype. Last evaluated: 2021-04-22. Review status: criteria provided, single submitter. Criteria: Ambry Variant Classification Scheme 2023. Collection method: clinical testing. Allele origin: germline.

GeneDx
Classification: Likely benign. Last evaluated: 2018-05-23. Review status: criteria provided, single submitter. Criteria: GeneDx Variant Classification (06012015). Collection method: clinical testing. Allele origin: germline. Affected: yes.
Comment: This variant is considered likely benign or benign based on one or more of the following criteria: it is a conservative change, it occurs at a poorly conserved position in the protein, it is predicted to be benign by multiple in silico algorithms, and/or has population frequency not consistent with disease.

NM_001267550.2(TTN):c.71922C>T (p.Ala23974=)

Genes: TTN (titin; minus strand), TTN-AS1 (TTN antisense RNA 1; plus strand). Cytogenetic location: 2q31.2.
Variant type: single nucleotide variant.
Coding change: c.71922C>T on transcript NM_001267550.2 (MANE Select); coding-DNA position 71922, C replaced by T.
Protein change: p.Ala23974=; no amino-acid change (alanine 23974 retained).
Molecular consequence: synonymous variant.
Genome position (GRCh38, 1-based): chr2:178,574,210, G>A on the plus strand (C>T on the coding strand, the complement: TTN is on the minus strand). VCF-style: chr2-178574210-G-A. GRCh37 (hg19) VCF-style: chr2-179438937-G-A.
Other names: c.66999C>T, p.Ala22333= (NM_001256850.1); c.44727C>T, p.Ala14909= (NM_003319.4); c.64218C>T, p.Ala21406= (NM_133378.4); c.45102C>T, p.Ala15034= (NM_133432.3); c.45303C>T, p.Ala15101= (NM_133437.4).
Identifiers: ClinVar variation 669079 (VCV000669079.45), dbSNP rs879179764, ClinGen allele CA61000500.